The following is an entry in ClinVar:

ClinVar aggregate classification (germline): Pathogenic (1 of 4 stars; one submission).

Conditions:
Hyper-IgE recurrent infection syndrome 3, autosomal recessive. Also called: Autosomal recessive hyper-IgE syndrome due to ZNF341 deficiency; HYPER-IgE SYNDROME 3, AUTOSOMAL RECESSIVE, WITH RECURRENT INFECTIONS. Identifiers: Orphanet 641368, MedGen C4748969, MONDO:0032654, OMIM 618282.

Submission:

Labcorp Genetics (formerly Invitae), Labcorp
Classification: Pathogenic for Combined immunodeficiency due to DOCK8 deficiency. Last evaluated: 2022-10-24. Review status: criteria provided, single submitter. Criteria: Invitae Variant Classification Sherloc (09022015). Collection method: clinical testing. Allele origin: germline.
Comment: This variant is a gross deletion of the genomic region encompassing exon(s) 26-33 of the DOCK8 gene. This deletion is out-of-frame, and is expected to create a premature termination codon and result in an absent or disrupted protein product. Loss-of-function variants in DOCK8 are known to be pathogenic (PMID: 14722525, 19776401). For these reasons, this variant has been classified as Pathogenic. This variant has not been reported in the literature in individuals affected with DOCK8-related conditions.

Literature cited by the submitters: PubMed 14722525; PubMed 19776401.

NC_000009.11:g.(?_399126)_(422155_?)del

Gene: DOCK8 (dedicator of cytokinesis 8; plus strand). Cytogenetic location: 9p24.3.
Variant type: Deletion.
Identifiers: ClinVar variation 2427702 (VCV002427702.8).